The following is an entry in ClinVar:

ClinVar aggregate classification (germline): Uncertain significance (1 of 4 stars; one submission).

Conditions:
Duchenne muscular dystrophy (DMD). Also called: Duchenne Muscular Dystrophy (DMD); MUSCULAR DYSTROPHY, PSEUDOHYPERTROPHIC PROGRESSIVE, DUCHENNE TYPE. Identifiers: Orphanet 98896, MedGen C0013264, MONDO:0010679, OMIM 310200.

Submission:

Labcorp Genetics (formerly Invitae), Labcorp
Classification: Uncertain significance for Duchenne muscular dystrophy. Last evaluated: 2024-10-27. Review status: criteria provided, single submitter. Criteria: Invitae Variant Classification Sherloc (09022015). Collection method: clinical testing. Allele origin: germline.
Comment: This sequence change replaces methionine, which is neutral and non-polar, with leucine, which is neutral and non-polar, at codon 439 of the DMD protein (p.Met439Leu). This variant is not present in population databases (gnomAD no frequency). This variant has not been reported in the literature in individuals affected with DMD-related conditions. Invitae Evidence Modeling of protein sequence and biophysical properties (such as structural, functional, and spatial information, amino acid conservation, physicochemical variation, residue mobility, and thermodynamic stability) indicates that this missense variant is not expected to disrupt DMD protein function with a negative predictive value of 95%. In summary, the available evidence is currently insufficient to determine the role of this variant in disease. Therefore, it has been classified as a Variant of Uncertain Significance.

NM_004006.3(DMD):c.1315A>C (p.Met439Leu)

Gene: DMD (dystrophin; minus strand). Cytogenetic location: Xp21.1.
Variant type: single nucleotide variant.
Coding change: c.1315A>C on transcript NM_004006.3 (MANE Select); coding-DNA position 1315, A replaced by C.
Protein change: p.Met439Leu; replaces methionine 439 with leucine.
Molecular consequence: missense variant.
Genome position (GRCh38, 1-based): chrX:32,644,148, T>G on the plus strand (A>C on the coding strand, the complement: DMD is on the minus strand). VCF-style: chrX-32644148-T-G. GRCh37 (hg19) VCF-style: chrX-32662265-T-G.
Other names: c.1291A>C, p.Met431Leu (NM_000109.4); c.1303A>C, p.Met435Leu (NM_004009.3); c.946A>C, p.Met316Leu (NM_004010.3); short protein forms M431L, M316L, M435L, M439L.
Identifiers: ClinVar variation 3719985 (VCV003719985.2).